The following is an entry in ClinVar:

ClinVar aggregate classification (germline): Conflicting classifications of pathogenicity. Review status: criteria provided, conflicting classifications (1 of 4 stars). 2 submissions from 2 submitters: Uncertain significance (1); Likely benign (1). Last evaluated 2026-06-30.

Conditions:
DCDC2-related disorder. Also called: DCDC2-related condition.
Isolated neonatal sclerosing cholangitis (NSC). Also called: Sclerosing cholangitis, neonatal. Identifiers: Orphanet 480556, MedGen C4479344, MONDO:0018816, OMIM 617394.
Autosomal recessive nonsyndromic hearing loss 66 (DFNB66). Also called: Deafness, autosomal recessive 66. Identifiers: Orphanet 90636, MedGen C1857750, MONDO:0012442, OMIM 610212.

Allele frequency attached by ClinVar (database versions not stated): ExAC 0.00005; gnomAD exomes 0.00007; TOPMed 0.00001.
gnomAD v4.1: 15 of 1,592,992 alleles (0.00094%); highest among the groups gnomAD compares: Admixed American, 0.028%; no homozygotes.

Submissions (2):

PreventionGenetics, part of Exact Sciences
Classification: Uncertain significance for DCDC2-related condition. Last evaluated: 2026-06-30. Review status: criteria provided, single submitter. Criteria: ACMG Guidelines, 2015. Collection method: clinical testing. Allele origin: germline.
Comment: The DCDC2 c.705-4A>C variant is predicted to interfere with splicing. To our knowledge, this variant has not been reported in the literature. This variant is reported in 0.060% of alleles in individuals of Latino descent in gnomAD. At this time, the clinical significance of this variant is uncertain due to the absence of conclusive functional and genetic evidence.

Labcorp Genetics (formerly Invitae), Labcorp
Classification: Likely benign for Autosomal recessive nonsyndromic hearing loss 66; Isolated neonatal sclerosing cholangitis. Last evaluated: 2025-10-19. Review status: criteria provided, single submitter. Criteria: Invitae Variant Classification Sherloc (09022015). Collection method: clinical testing. Allele origin: germline.

NM_016356.5(DCDC2):c.705-4A>C

Gene: DCDC2 (doublecortin domain containing 2; minus strand). Cytogenetic location: 6p22.3.
Variant type: single nucleotide variant.
Coding change: c.705-4A>C on transcript NM_016356.5 (MANE Select); 4 bases into the intron before coding-DNA position 705, A replaced by C.
Molecular consequence: intron variant.
Genome position (GRCh38, 1-based): chr6:24,288,910, T>G on the plus strand (A>C on the coding strand, the complement: DCDC2 is on the minus strand). VCF-style: chr6-24288910-T-G. GRCh37 (hg19) VCF-style: chr6-24289138-T-G.
Other names: c.705-4A>C (NM_001195610.2, NM_016356.4).
Identifiers: ClinVar variation 1141230 (VCV001141230.11), dbSNP rs774040286, ClinGen allele CA3654682.